The following is an entry in ClinVar:

NM_000088.4(COL1A1):c.1774C>T (p.Pro592Ser)

Gene: COL1A1 (collagen type I alpha 1 chain; minus strand). Cytogenetic location: 17q21.33.
Variant type: single nucleotide variant.
Coding change: c.1774C>T on transcript NM_000088.4 (MANE Select); coding-DNA position 1774, C replaced by T.
Protein change: p.Pro592Ser; replaces proline 592 with serine.
Molecular consequence: missense variant.
Genome position (GRCh38, 1-based): chr17:50,193,041, G>A on the plus strand (C>T on the coding strand, the complement: COL1A1 is on the minus strand). VCF-style: chr17-50193041-G-A. GRCh37 (hg19) VCF-style: chr17-48270402-G-A.
Other names: short protein forms P592S.
Identifiers: ClinVar variation 4935878 (VCV004935878.2).
Genomic context (GRCh38, chr17:50,193,041, plus strand): 5'-AGGAGATACTTACGACAGCGCCAGGGGGTCCGGGAACACCTCGCTCTCCAGCCTTGCCGG[G>A]CTCTCCCTGTGGAGAAAGGGAGTTAGGGTTGAGGGGGCTGAAGTGAGAAGCCAGGGCCTC-3'
Protein context (NP_000079.2, residues 582-602): FPGPKGAAGE[Pro592Ser]GKAGERGVPG

ClinVar aggregate classification (germline): Uncertain significance. Review status: criteria provided, multiple submitters, no conflicts (2 of 4 stars). 2 submissions from 2 submitters: Uncertain significance (2). Last evaluated 2025-03-25.

Conditions:
COL1A1-related disorder. Also called: COL1A1-related condition; COL1A1- related disease.

gnomAD v4.1: 3 of 1,613,802 alleles (0.00019%); highest among the groups gnomAD compares: Non-Finnish European, 0.00017%; no homozygotes.

Submissions (2):

PreventionGenetics, part of Exact Sciences
Classification: Uncertain significance for COL1A1-related condition. Last evaluated: 2025-03-25. Review status: criteria provided, single submitter. Criteria: ACMG Guidelines, 2015. Collection method: clinical testing. Allele origin: germline.
Comment: The COL1A1 c.1774C>T variant is predicted to result in the amino acid substitution p.Pro592Ser. To our knowledge, this variant has not been reported in the literature. This variant is reported in 0.0018% of alleles in individuals of European (Non-Finnish) descent in gnomAD. At this time, the clinical significance of this variant is uncertain due to the absence of conclusive functional and genetic evidence.

Blueprint Genetics
Classification: Uncertain significance. Last evaluated: 2020-01-30. Review status: criteria provided, single submitter. Criteria: ACMG Guidelines, 2015. Collection method: clinical testing. Allele origin: germline.